The following is an entry in ClinVar:

NM_000617.3(SLC11A2):c.1670G>A (p.Arg557His)

Gene: SLC11A2 (solute carrier family 11 member 2; minus strand). Cytogenetic location: 12q13.12.
Variant type: single nucleotide variant.
Coding change: c.1670G>A on transcript NM_000617.3 (MANE Select); coding-DNA position 1670, G replaced by A.
Protein change: p.Arg557His; replaces arginine 557 with histidine.
Molecular consequence: missense variant. On other transcripts: non-coding transcript variant (4), intron variant (6).
Genome position (GRCh38, 1-based): chr12:50,988,341, C>T on the plus strand (G>A on the coding strand, the complement: SLC11A2 is on the minus strand). VCF-style: chr12-50988341-C-T. GRCh37 (hg19) VCF-style: chr12-51382124-C-T.
Other names: c.1757G>A, p.Arg586His (NM_001174125.2, NM_001379455.1); c.1670G>A, p.Arg557His (NM_001174128.2, NM_001174129.2, NM_001414744.1 and 2 more transcripts); c.1658G>A, p.Arg553His (NM_001174130.2); c.1559G>A, p.Arg520His (NM_001414748.1); c.1433G>A, p.Arg478His (NM_001414749.1, NM_001414750.1); c.1716+41G>A (NM_001379446.1); c.1518+41G>A (NM_001414747.1); c.1629+41G>A (NM_001174127.2, NM_001174126.2, NM_001379447.2); and 1 more; short protein forms R553H, R478H, R520H, R557H, R586H.
Identifiers: ClinVar variation 2069016 (VCV002069016.6), dbSNP rs200378439, ClinGen allele CA6566424.
Genomic context (GRCh38, chr12:50,988,341, plus strand): 5'-CACTGGCTCTGATGGCTACCTGCAGAAGACAGACTAATCCAGTGTTATTTAACGTAGCCA[C>T]GGGTGGCTTCTTCTGTCAGCAGGCCTTTAGAGATGCTTACCGTATGCCCACAGTCCAGGA-3'
Protein context (NP_000608.1, residues 547-561): SKGLLTEEAT[Arg557His]GYVK

ClinVar aggregate classification (germline): Uncertain significance. Review status: criteria provided, multiple submitters, no conflicts (2 of 4 stars). 2 submissions from 2 submitters: Uncertain significance (2). Last evaluated 2024-11-09.

Conditions:
Inborn genetic diseases. Identifiers: MedGen C0950123, MeSH D030342.

Allele frequency attached by ClinVar (database versions not stated): gnomAD exomes 0.00049; ExAC 0.00014; TOPMed 0.00031; ESP Exome Variant Server 0.00046; 1000 Genomes Project 30x 0.00016; 1000 Genomes Project 0.00020; gnomAD 0.00026.

Submissions (2):

Ambry Genetics
Classification: Uncertain significance for Inborn genetic diseases. Last evaluated: 2024-11-09. Review status: criteria provided, single submitter. Criteria: Ambry Variant Classification Scheme 2023. Collection method: clinical testing. Allele origin: germline.

Labcorp Genetics (formerly Invitae), Labcorp
Classification: Uncertain significance. Last evaluated: 2022-06-18. Review status: criteria provided, single submitter. Criteria: Invitae Variant Classification Sherloc (09022015). Collection method: clinical testing. Allele origin: germline.
Comment: This variant has not been reported in the literature in individuals affected with SLC11A2-related conditions. In summary, the available evidence is currently insufficient to determine the role of this variant in disease. Therefore, it has been classified as a Variant of Uncertain Significance. Algorithms developed to predict the effect of missense changes on protein structure and function (SIFT, PolyPhen-2, Align-GVGD) all suggest that this variant is likely to be tolerated. This variant is present in population databases (rs200378439, gnomAD 0.03%). This sequence change replaces arginine, which is basic and polar, with histidine, which is basic and polar, at codon 557 of the SLC11A2 protein (p.Arg557His).